The following is an entry in ClinVar:

ClinVar aggregate classification (germline): Uncertain significance. Review status: criteria provided, multiple submitters, no conflicts (2 of 4 stars). 3 submissions from 3 submitters: Uncertain significance (3). Last evaluated 2023-10-23.

Conditions:
Hereditary cancer-predisposing syndrome. Also called: Tumor predisposition; Hereditary Cancer Syndrome; Hereditary neoplastic syndrome; Neoplastic Syndromes, Hereditary. Identifiers: Orphanet 140162, MedGen C0027672, MeSH D009386, MONDO:0015356.
Familial adenomatous polyposis 1 (FAP1). Also called: FAMILIAL ADENOMATOUS POLYPOSIS 1, ATTENUATED; POLYPOSIS, ADENOMATOUS INTESTINAL. Identifiers: MedGen C2713442, MONDO:0021056, OMIM 175100. Disease mechanism: loss of function.

Submissions (3):

Baylor Genetics
Classification: Uncertain significance for Familial adenomatous polyposis 1. Last evaluated: 2023-10-23. Review status: criteria provided, single submitter. Criteria: ACMG Guidelines, 2015. Collection method: clinical testing. Allele origin: unknown.

Labcorp Genetics (formerly Invitae), Labcorp
Classification: Uncertain significance for Familial adenomatous polyposis 1. Last evaluated: 2023-08-28. Review status: criteria provided, single submitter. Criteria: Invitae Variant Classification Sherloc (09022015). Collection method: clinical testing. Allele origin: germline.
Comment: In summary, the available evidence is currently insufficient to determine the role of this variant in disease. Therefore, it has been classified as a Variant of Uncertain Significance. Advanced modeling of protein sequence and biophysical properties (such as structural, functional, and spatial information, amino acid conservation, physicochemical variation, residue mobility, and thermodynamic stability) performed at Invitae indicates that this missense variant is not expected to disrupt APC protein function. ClinVar contains an entry for this variant (Variation ID: 486769). This missense change has been observed in individual(s) with clinical features of familial adenomatous polyposis (Invitae). This variant is not present in population databases (gnomAD no frequency). This sequence change replaces serine, which is neutral and polar, with leucine, which is neutral and non-polar, at codon 596 of the APC protein (p.Ser596Leu).

Ambry Genetics
Classification: Uncertain significance for Hereditary cancer-predisposing syndrome. Last evaluated: 2019-11-15. Review status: criteria provided, single submitter. Criteria: Ambry Variant Classification Scheme 2023. Collection method: clinical testing. Allele origin: germline.
Comment: The p.S596L variant (also known as c.1787C>T), located in coding exon 14 of the APC gene, results from a C to T substitution at nucleotide position 1787. The serine at codon 596 is replaced by leucine, an amino acid with dissimilar properties. This amino acid position is highly conserved in available vertebrate species. In addition, in silico predictors for this gene do not accurately predict pathogenicity. Since supporting evidence is limited at this time, the clinical significance of this alteration remains unclear.

NM_000038.6(APC):c.1787C>T (p.Ser596Leu)

Gene: APC (APC regulator of Wnt signaling pathway; plus strand). Cytogenetic location: 5q22.2.
Variant type: single nucleotide variant.
Coding change: c.1787C>T on transcript NM_000038.6 (MANE Select); coding-DNA position 1787, C replaced by T.
Protein change: p.Ser596Leu; replaces serine 596 with leucine.
Molecular consequence: missense variant.
Genome position (GRCh38, 1-based): chr5:112,834,994, C>T. VCF-style: chr5-112834994-C-T. GRCh37 (hg19) VCF-style: chr5-112170691-C-T.
Other names: c.1787C>T, p.Ser596Leu (NM_001127510.3, NM_001354895.2); c.1733C>T, p.Ser578Leu (NM_001127511.3); c.1841C>T, p.Ser614Leu (NM_001354896.2); c.1817C>T, p.Ser606Leu (NM_001354897.2); c.1712C>T, p.Ser571Leu (NM_001354898.2); c.1703C>T, p.Ser568Leu (NM_001354899.2); c.1664C>T, p.Ser555Leu (NM_001354900.2); c.1610C>T, p.Ser537Leu (NM_001354901.2); and 5 more; short protein forms S596L, S578L, S495L, S606L, S505L, S537L, S555L, S571L.
Identifiers: ClinVar variation 486769 (VCV000486769.17), dbSNP rs1554083134, ClinGen allele CA16025229.
Genomic context (GRCh38, chr5:112,834,994, plus strand): 5'-ATTCTGTTTCTTACTAGGAATCAACCCTCAAAAGCGTATTGAGTGCCTTATGGAATTTGT[C>T]AGCACATTGCACTGAGAATAAAGCTGATATATGTGCTGTAGATGGTGCACTTGCATTTTT-3'
Protein context (NP_000029.2, residues 586-606): KSVLSALWNL[Ser596Leu]AHCTENKADI